The following is an entry in ClinVar:

NM_018671.5(UNC45A):c.1951A>G (p.Met651Val)

Gene: UNC45A (unc-45 myosin chaperone A; plus strand). Cytogenetic location: 15q26.1.
Variant type: single nucleotide variant.
Coding change: c.1951A>G on transcript NM_018671.5 (MANE Select); coding-DNA position 1951, A replaced by G.
Protein change: p.Met651Val; replaces methionine 651 with valine.
Molecular consequence: missense variant.
Genome position (GRCh38, 1-based): chr15:90,949,388, A>G. VCF-style: chr15-90949388-A-G. GRCh37 (hg19) VCF-style: chr15-91492618-A-G.
Other names: c.1906A>G, p.Met636Val (NM_001039675.2, NM_001323621.2); c.1951A>G, p.Met651Val (NM_001323619.1); c.1516A>G, p.Met506Val (NM_001323620.2); short protein forms M636V, M651V, M506V.
Identifiers: ClinVar variation 1481285 (VCV001481285.6), dbSNP rs1294443093, ClinGen allele CA393859900.

ClinVar aggregate classification (germline): Uncertain significance (1 of 4 stars; one submission).

Allele frequency attached by ClinVar (database versions not stated): gnomAD exomes below 0.00001; gnomAD 0.00001.

Submission:

Labcorp Genetics (formerly Invitae), Labcorp
Classification: Uncertain significance. Last evaluated: 2021-05-26. Review status: criteria provided, single submitter. Criteria: Invitae Variant Classification Sherloc (09022015). Collection method: clinical testing. Allele origin: germline.
Comment: In summary, the available evidence is currently insufficient to determine the role of this variant in disease. Therefore, it has been classified as a Variant of Uncertain Significance. Algorithms developed to predict the effect of missense changes on protein structure and function are either unavailable or do not agree on the potential impact of this missense change (SIFT: "Not Available"; PolyPhen-2: "Benign"; Align-GVGD: "Not Available"). This variant has not been reported in the literature in individuals with UNC45A-related conditions. This variant is not present in population databases (ExAC no frequency). This sequence change replaces methionine with valine at codon 651 of the UNC45A protein (p.Met651Val). The methionine residue is moderately conserved and there is a small physicochemical difference between methionine and valine.